The following is an entry in ClinVar:

NM_000081.4(LYST):c.2754G>A (p.Glu918=)

Gene: LYST (lysosomal trafficking regulator; minus strand). Cytogenetic location: 1q42.3.
Variant type: single nucleotide variant.
Coding change: c.2754G>A on transcript NM_000081.4 (MANE Select); coding-DNA position 2754, G replaced by A.
Protein change: p.Glu918=; no amino-acid change (glutamic acid 918 retained).
Molecular consequence: synonymous variant.
Genome position (GRCh38, 1-based): chr1:235,806,382, C>T on the plus strand (G>A on the coding strand, the complement: LYST is on the minus strand). VCF-style: chr1-235806382-C-T. GRCh37 (hg19) VCF-style: chr1-235969682-C-T.
Other names: p.Glu918=; c.2754G>A, p.Glu918= (NM_001301365.1).
Identifiers: ClinVar variation 525195 (VCV000525195.55), dbSNP rs373577384, ClinGen allele CA1467219.

ClinVar aggregate classification (germline): Conflicting classifications of pathogenicity. Review status: criteria provided, conflicting classifications (1 of 4 stars). 5 submissions from 5 submitters: Uncertain significance (1); Likely benign (4). Last evaluated 2026-01-26.

Conditions:
Chédiak-Higashi syndrome (CHS). Also called: Chediak-Higashi Syndrome. Identifiers: Orphanet 167, MedGen C0007965, MONDO:0008963, OMIM 214500.

Allele frequency attached by ClinVar (database versions not stated): ESP Exome Variant Server 0.00015; 1000 Genomes Project 30x 0.00016; 1000 Genomes Project 0.00020; gnomAD exomes 0.00020 and 0.00030; TOPMed 0.00020; gnomAD 0.00022 and 0.00023; ExAC 0.00026.
gnomAD v4.1: 469 of 1,614,056 alleles (0.029%); highest among the groups gnomAD compares: Middle Eastern, 0.049%; no homozygotes.

Submissions (5):

Labcorp Genetics (formerly Invitae), Labcorp
Classification: Likely benign for Chédiak-Higashi syndrome. Last evaluated: 2026-01-26. Review status: criteria provided, single submitter. Criteria: Invitae Variant Classification Sherloc (09022015). Collection method: clinical testing. Allele origin: germline.

Mayo Clinic Laboratories, Mayo Clinic
Classification: Likely benign. Last evaluated: 2024-12-10. Review status: criteria provided, single submitter. Criteria: ACMG Guidelines, 2015. Collection method: clinical testing. Allele origin: germline. Observed: 2 variant alleles.
Comment: BP4, BP7

Blueprint Genetics
Classification: Likely benign. Last evaluated: 2024-11-20. Review status: criteria provided, single submitter. Criteria: ACMG Guidelines, 2015. Collection method: clinical testing. Allele origin: germline.

CeGaT Center for Human Genetics Tuebingen
Classification: Likely benign. Last evaluated: 2024-05-01. Review status: criteria provided, single submitter. Criteria: CeGaT Center For Human Genetics Tuebingen Variant Classification Criteria Version 2. Collection method: clinical testing. Allele origin: germline. Affected: yes. Observed: 3 variant alleles.
Comment: LYST: BP4, BP7

Illumina Laboratory Services, Illumina
Classification: Uncertain significance for Chédiak-Higashi syndrome. Last evaluated: 2018-01-13. Review status: criteria provided, single submitter. Criteria: ICSL Variant Classification Criteria 13 December 2019. Collection method: clinical testing. Allele origin: germline.